The following is an entry in ClinVar:

NM_002350.4(LYN):c.613A>G (p.Ser205Gly)

Gene: LYN (LYN proto-oncogene, Src family tyrosine kinase; plus strand). Cytogenetic location: 8q12.1.
Variant type: single nucleotide variant.
Coding change: c.613A>G on transcript NM_002350.4 (MANE Select); coding-DNA position 613, A replaced by G.
Protein change: p.Ser205Gly; replaces serine 205 with glycine.
Molecular consequence: missense variant.
Genome position (GRCh38, 1-based): chr8:55,952,091, A>G. VCF-style: chr8-55952091-A-G. GRCh37 (hg19) VCF-style: chr8-56864650-A-G.
Other names: c.550A>G, p.Ser184Gly (NM_001111097.3); short protein forms S184G, S205G.
Identifiers: ClinVar variation 1345935 (VCV001345935.8), dbSNP rs2130495075, ClinGen allele CA371281593.
Genomic context (GRCh38, chr8:55,952,091, plus strand): 5'-ATTAGAAGTCTGGATAATGGGGGCTATTACATCTCTCCACGAATCACTTTTCCCTGTATC[A>G]GCGACATGATTAAACATTACCAAAGTAAGTAAAAACTGAAGGTTCAACAAGACAAGATAT-3'
Protein context (NP_002341.1, residues 195-215): ISPRITFPCI[Ser205Gly]DMIKHYQKQA

ClinVar aggregate classification (germline): Uncertain significance (1 of 4 stars; one submission).

Submission:

Labcorp Genetics (formerly Invitae), Labcorp
Classification: Uncertain significance. Last evaluated: 2024-03-16. Review status: criteria provided, single submitter. Criteria: Invitae Variant Classification Sherloc (09022015). Collection method: clinical testing. Allele origin: germline.
Comment: This sequence change replaces serine, which is neutral and polar, with glycine, which is neutral and non-polar, at codon 205 of the LYN protein (p.Ser205Gly). This variant is not present in population databases (gnomAD no frequency). This variant has not been reported in the literature in individuals affected with LYN-related conditions. ClinVar contains an entry for this variant (Variation ID: 1345935). An algorithm developed to predict the effect of missense changes on protein structure and function (PolyPhen-2) suggests that this variant is likely to be tolerated. In summary, the available evidence is currently insufficient to determine the role of this variant in disease. Therefore, it has been classified as a Variant of Uncertain Significance.